The following is an entry in ClinVar:

ClinVar aggregate classification (germline): Uncertain significance (1 of 4 stars; one submission).

gnomAD v4.1: 6 of 1,568,520 alleles (0.00038%); highest among the groups gnomAD compares: East Asian, 0.0047%; no homozygotes.

Submission:

Labcorp Genetics (formerly Invitae), Labcorp
Classification: Uncertain significance. Last evaluated: 2024-07-15. Review status: criteria provided, single submitter. Criteria: Invitae Variant Classification Sherloc (09022015). Collection method: clinical testing. Allele origin: germline.
Comment: This sequence change falls in intron 1 of the RPL19 gene. It does not directly change the encoded amino acid sequence of the RPL19 protein. It affects a nucleotide within the consensus splice site. This variant is not present in population databases (gnomAD no frequency). This variant has not been reported in the literature in individuals affected with RPL19-related conditions. Variants that disrupt the consensus splice site are a relatively common cause of aberrant splicing (PMID: 17576681, 9536098). Algorithms developed to predict the effect of sequence changes on RNA splicing suggest that this variant is not likely to affect RNA splicing. In summary, the available evidence is currently insufficient to determine the role of this variant in disease. Therefore, it has been classified as a Variant of Uncertain Significance.

Literature cited by the submitters: PubMed 17576681; PubMed 9536098.

NM_000981.4(RPL19):c.5+3G>A

Gene: RPL19 (ribosomal protein L19; plus strand). Cytogenetic location: 17q12.
Variant type: single nucleotide variant.
Coding change: c.5+3G>A on transcript NM_000981.4 (MANE Select); 3 bases into the intron after coding-DNA position 5, G replaced by A.
Molecular consequence: intron variant. On other transcripts: 5 prime UTR variant (1).
Genome position (GRCh38, 1-based): chr17:39,200,352, G>A. VCF-style: chr17-39200352-G-A. GRCh37 (hg19) VCF-style: chr17-37356605-G-A.
Other names: c.-393G>A (NM_001330200.1).
Identifiers: ClinVar variation 3609543 (VCV003609543.2).